The following is an entry in ClinVar:

NM_000093.5(COL5A1):c.2002G>A (p.Glu668Lys)

Gene: COL5A1 (collagen type V alpha 1 chain; plus strand). Cytogenetic location: 9q34.3.
Variant type: single nucleotide variant.
Coding change: c.2002G>A on transcript NM_000093.5 (MANE Select); coding-DNA position 2002, G replaced by A.
Protein change: p.Glu668Lys; replaces glutamic acid 668 with lysine.
Molecular consequence: missense variant.
Genome position (GRCh38, 1-based): chr9:134,763,705, G>A. VCF-style: chr9-134763705-G-A. GRCh37 (hg19) VCF-style: chr9-137655551-G-A.
Other names: c.2002G>A (NM_000093.4); c.2002G>A, p.Glu668Lys (NM_001278074.1); short protein forms E668K.
Identifiers: ClinVar variation 1201321 (VCV001201321.16), dbSNP rs764603796, ClinGen allele CA5319106.
Genomic context (GRCh38, chr9:134,763,705, plus strand): 5'-CAGGCTAACAGCTCATTTCTCTAACCTTGCCTTTTTTCTCCTCTGCAGGGTGACGACGGA[G>A]AAGTTGGGCCCAGGGGGCTGCCTGGGGAGCCCGTAAGTCTGTGAGCTGAGTGGGACGGTG-3'
Protein context (NP_000084.3, residues 658-678): GDDGERGDDG[Glu668Lys]VGPRGLPGEP

ClinVar aggregate classification (germline): Conflicting classifications of pathogenicity. Review status: criteria provided, conflicting classifications (1 of 4 stars). 4 submissions from 4 submitters: Uncertain significance (3); Likely benign (1). Last evaluated 2026-01-06.

Conditions:
Ehlers-Danlos syndrome, classic type, 1 (EDSCL1). Also called: EDS I; EHLERS-DANLOS SYNDROME, GRAVIS TYPE; EHLERS-DANLOS SYNDROME, SEVERE CLASSIC TYPE; Ehlers-Danlos syndrome, type 1; Ehlers-Danlos Syndrome, Classic Type, COL5A1-Related. Identifiers: MedGen C0268335, MONDO:0019567, OMIM 130000.
Familial thoracic aortic aneurysm and aortic dissection (TAAD). Also called: Thoracic aortic aneurysms and dissections. Identifiers: Orphanet 91387, MedGen C4707243, MONDO:0019625.
COL5A1-related disorder. Also called: COL5A1-related condition.

Allele frequency attached by ClinVar (database versions not stated): ExAC 0.00001; gnomAD 0.00001; gnomAD exomes 0.00001 and 0.00002; TOPMed 0.00001.
gnomAD v4.1: 24 of 1,613,650 alleles (0.0015%); highest among the groups gnomAD compares: Non-Finnish European, 0.0019%; no homozygotes.

Submissions (4):

Labcorp Genetics (formerly Invitae), Labcorp
Classification: Likely benign for Ehlers-Danlos syndrome, classic type, 1. Last evaluated: 2026-01-06. Review status: criteria provided, single submitter. Criteria: Invitae Variant Classification Sherloc (09022015). Collection method: clinical testing. Allele origin: germline.

PreventionGenetics, part of Exact Sciences
Classification: Uncertain significance for COL5A1-related condition. Last evaluated: 2025-11-16. Review status: criteria provided, single submitter. Criteria: ACMG Guidelines, 2015. Collection method: clinical testing. Allele origin: germline.
Comment: The COL5A1 c.2002G>A variant is predicted to result in the amino acid substitution p.Glu668Lys. To our knowledge, this variant has not been reported in the literature. This variant is reported in 0.0046% of alleles in individuals of European (Finnish) descent in gnomAD. At this time, the clinical significance of this variant is uncertain due to the absence of conclusive functional and genetic evidence.

GeneDx
Classification: Uncertain significance. Last evaluated: 2023-09-08. Review status: criteria provided, single submitter. Criteria: GeneDx Variant Classification Process June 2021. Collection method: clinical testing. Allele origin: germline. Affected: yes.
Comment: Has not been previously published as pathogenic or benign to our knowledge; Not observed at significant frequency in large population cohorts (gnomAD); In silico analysis supports that this missense variant does not alter protein structure/function; Occurs in the triple helical domain at the X position in the canonical Gly-X-Y repeat; although this variant may have an effect on normal protein folding and function, missense substitution at the X position is not a common mechanism of disease (Symoens et al., 2012; HGMD); This variant is associated with the following publications: (PMID: 22696272)

Ambry Genetics
Classification: Uncertain significance for Familial thoracic aortic aneurysm and aortic dissection. Last evaluated: 2023-08-22. Review status: criteria provided, single submitter. Criteria: Ambry Variant Classification Scheme 2023. Collection method: clinical testing. Allele origin: germline.
Comment: The p.E668K variant (also known as c.2002G>A), located in coding exon 20 of the COL5A1 gene, results from a G to A substitution at nucleotide position 2002. The glutamic acid at codon 668 is replaced by lysine, an amino acid with similar properties. This amino acid position is highly conserved in available vertebrate species. In addition, the in silico prediction for this alteration is inconclusive. Since supporting evidence is limited at this time, the clinical significance of this alteration remains unclear.